The following is an entry in ClinVar:

NM_001430.5(EPAS1):c.1761G>C (p.Lys587Asn)

Gene: EPAS1 (endothelial PAS domain protein 1; plus strand). Cytogenetic location: 2p21.
Variant type: single nucleotide variant.
Coding change: c.1761G>C on transcript NM_001430.5 (MANE Select); coding-DNA position 1761, G replaced by C.
Protein change: p.Lys587Asn; replaces lysine 587 with asparagine.
Molecular consequence: missense variant.
Genome position (GRCh38, 1-based): chr2:46,380,433, G>C. VCF-style: chr2-46380433-G-C. GRCh37 (hg19) VCF-style: chr2-46607572-G-C.
Other names: short protein forms K587N.
Identifiers: ClinVar variation 2565058 (VCV002565058.2), dbSNP rs1572649137, ClinGen allele CA346704824.

ClinVar aggregate classification (germline): Uncertain significance (1 of 4 stars; one submission).

Conditions:
Inborn genetic diseases. Identifiers: MedGen C0950123, MeSH D030342.

Submission:

Ambry Genetics
Classification: Uncertain significance for Inborn genetic diseases. Last evaluated: 2023-04-18. Review status: criteria provided, single submitter. Criteria: Ambry Variant Classification Scheme 2023. Collection method: clinical testing. Allele origin: germline.
Comment: The p.K587N variant (also known as c.1761G>C), located in coding exon 12 of the EPAS1 gene, results from a G to C substitution at nucleotide position 1761. The lysine at codon 587 is replaced by asparagine, an amino acid with similar properties. This amino acid position is conserved. In addition, this alteration is predicted to be tolerated by in silico analysis. Since supporting evidence is limited at this time, the clinical significance of this alteration remains unclear.